The following is an entry in ClinVar:

NM_138713.4(NFAT5):c.4197G>A (p.Met1399Ile)

Gene: NFAT5 (nuclear factor of activated T cells 5; plus strand). Cytogenetic location: 16q22.1.
Variant type: single nucleotide variant.
Coding change: c.4197G>A on transcript NM_138713.4 (MANE Select); coding-DNA position 4197, G replaced by A.
Protein change: p.Met1399Ile; replaces methionine 1399 with isoleucine.
Molecular consequence: missense variant.
Genome position (GRCh38, 1-based): chr16:69,694,022, G>A. VCF-style: chr16-69694022-G-A. GRCh37 (hg19) VCF-style: chr16-69727925-G-A.
Other names: c.4194G>A, p.Met1398Ile (NM_001113178.3); c.3522G>A, p.Met1174Ile (NM_001367709.1); c.4143G>A, p.Met1381Ile (NM_006599.4); c.3915G>A, p.Met1305Ile (NM_138714.4, NM_173214.3, NM_173215.3); short protein forms M1305I, M1174I, M1398I, M1399I, M1381I.
Identifiers: ClinVar variation 4750059 (VCV004750059.1).
Genomic context (GRCh38, chr16:69,694,022, plus strand): 5'-ACAAGGGTCACCTAGTTCTCAAGAGCAGCAAGTAACTCTCTTCTTATCTCCAGCATCCAT[G>A]TCTGCCTTGCAGACCAGTATAAATCAACAAGATATGCAACAGTCTCCTCTTTATTCCCCT-3'
Protein context (NP_619727.2, residues 1389-1409): QVTLFLSPAS[Met1399Ile]SALQTSINQQ

ClinVar aggregate classification (germline): Uncertain significance (1 of 4 stars; one submission).

Conditions:
Immunodeficiency. Identifiers: MedGen C0021051, MONDO:0021094, HP:0002721.

Submission:

Labcorp Genetics (formerly Invitae), Labcorp
Classification: Uncertain significance for Immunodeficiency. Last evaluated: 2025-06-22. Review status: criteria provided, single submitter. Criteria: Invitae Variant Classification Sherloc (09022015). Collection method: clinical testing. Allele origin: germline.
Comment: This sequence change replaces methionine, which is neutral and non-polar, with isoleucine, which is neutral and non-polar, at codon 1305 of the NFAT5 protein (p.Met1305Ile). This variant is present in population databases (no rsID available, gnomAD 0.003%). This variant has not been reported in the literature in individuals affected with NFAT5-related conditions. An algorithm developed to predict the effect of missense changes on protein structure and function (PolyPhen-2) suggests that this variant is likely to be disruptive. In summary, the available evidence is currently insufficient to determine the role of this variant in disease. Therefore, it has been classified as a Variant of Uncertain Significance.